The following is an entry in ClinVar:

NM_201384.3(PLEC):c.11266G>A (p.Glu3756Lys)

Gene: PLEC (plectin; minus strand). Cytogenetic location: 8q24.3.
Variant type: single nucleotide variant.
Coding change: c.11266G>A on transcript NM_201384.3 (MANE Select); coding-DNA position 11266, G replaced by A.
Protein change: p.Glu3756Lys; replaces glutamic acid 3756 with lysine.
Molecular consequence: missense variant.
Genome position (GRCh38, 1-based): chr8:143,918,555, C>T on the plus strand (G>A on the coding strand, the complement: PLEC is on the minus strand). VCF-style: chr8-143918555-C-T. GRCh37 (hg19) VCF-style: chr8-144992723-C-T.
Other names: c.11347G>A (NM_000445.3); c.11347G>A, p.Glu3783Lys (NM_000445.5); c.7966G>A, p.Glu2656Lys (NM_001410941.1); c.11224G>A, p.Glu3742Lys (NM_201378.4); c.11200G>A, p.Glu3734Lys (NM_201379.3); c.11677G>A, p.Glu3893Lys (NM_201380.4); c.11170G>A, p.Glu3724Lys (NM_201381.3); c.11266G>A, p.Glu3756Lys (NM_201382.4); and 1 more; short protein forms E2656K, E3756K, E3893K, E3760K, E3734K, E3742K, E3724K, E3783K.
Identifiers: ClinVar variation 2073555 (VCV002073555.5), dbSNP rs369563702, ClinGen allele CA4924395.

ClinVar aggregate classification (germline): Uncertain significance. Review status: criteria provided, multiple submitters, no conflicts (2 of 4 stars). 2 submissions from 2 submitters: Uncertain significance (2). Last evaluated 2025-11-17.

Conditions:
Epidermolysis bullosa simplex 5B, with muscular dystrophy (EBS5B). Also called: EPIDERMOLYSIS BULLOSA SIMPLEX AND LIMB-GIRDLE MUSCULAR DYSTROPHY; Epidermolysis bullosa simplex with muscular dystrophy. Identifiers: Orphanet 257, MedGen C2931072, MONDO:0009181, OMIM 226670.
Epidermolysis bullosa simplex 5C, with pyloric atresia (EBS5C). Also called: Epidermolysis bullosa simplex with pyloric atresia; PLEC-Related Epidermolysis Bullosa with Pyloric Atresia; PLEC1-Related Epidermolysis Bullosa with Pyloric Atresia. Identifiers: Orphanet 158684, MedGen C2677349, MONDO:0012807, OMIM 612138.
Epidermolysis bullosa simplex with nail dystrophy (EBS5D). Identifiers: MedGen C4225309, MONDO:0014661, OMIM 616487.
Autosomal recessive limb-girdle muscular dystrophy type 2Q (LGMDR17). Also called: MUSCULAR DYSTROPHY, LIMB-GIRDLE, AUTOSOMAL RECESSIVE 17. Identifiers: Orphanet 254361, MedGen C3150989, MONDO:0013390, OMIM 613723.
Epidermolysis bullosa simplex, Ogna type (EBS5A). Also called: Pidermolysis bullosa simplex 5A, Ogna type; EPIDERMOLYSIS BULLOSA SIMPLEX 5A, OGNA TYPE. Identifiers: Orphanet 79401, MedGen C0432317, MONDO:0007555, OMIM 131950.
Inborn genetic diseases. Identifiers: MedGen C0950123, MeSH D030342.

Allele frequency attached by ClinVar (database versions not stated): TOPMed 0.00002; 1000 Genomes Project 30x 0.00016; ESP Exome Variant Server 0.00016; 1000 Genomes Project 0.00020.
gnomAD v4.1: 38 of 1,610,792 alleles (0.0024%); highest among the groups gnomAD compares: African/African-American, 0.004%; no homozygotes.

Submissions (2):

Labcorp Genetics (formerly Invitae), Labcorp
Classification: Uncertain significance for Autosomal recessive limb-girdle muscular dystrophy type 2Q; Epidermolysis bullosa simplex, Ogna type; Epidermolysis bullosa simplex with nail dystrophy; Epidermolysis bullosa simplex 5C, with pyloric atresia; Epidermolysis bullosa simplex 5B, with muscular dystrophy. Last evaluated: 2025-11-17. Review status: criteria provided, single submitter. Criteria: Invitae Variant Classification Sherloc (09022015). Collection method: clinical testing. Allele origin: germline.
Comment: This sequence change replaces glutamic acid, which is acidic and polar, with lysine, which is basic and polar, at codon 3783 of the PLEC protein (p.Glu3783Lys). This variant is present in population databases (rs369563702, gnomAD 0.02%). This variant has not been reported in the literature in individuals affected with PLEC-related conditions. ClinVar contains an entry for this variant (Variation ID: 2073555). An algorithm developed to predict the effect of missense changes on protein structure and function (PolyPhen-2) suggests that this variant is likely to be disruptive. In summary, the available evidence is currently insufficient to determine the role of this variant in disease. Therefore, it has been classified as a Variant of Uncertain Significance.

Ambry Genetics
Classification: Uncertain significance for Inborn genetic diseases. Last evaluated: 2025-08-31. Review status: criteria provided, single submitter. Criteria: Ambry Variant Classification Scheme 2023. Collection method: clinical testing. Allele origin: germline.